The following is an entry in ClinVar:

ClinVar aggregate classification (germline): Uncertain significance (1 of 4 stars; one submission).

Conditions:
Very long chain acyl-CoA dehydrogenase deficiency (ACADVLD). Also called: VLCAD Deficiency; Very Long-Chain Acyl-Coenzyme A Dehydrogenase Deficiency. Identifiers: Orphanet 26793, MedGen C3887523, MONDO:0008723, OMIM 201475.

Allele frequency attached by ClinVar (database versions not stated): TOPMed 0.00001; gnomAD 0.00002.

Submission:

Labcorp Genetics (formerly Invitae), Labcorp
Classification: Uncertain significance for Very long chain acyl-CoA dehydrogenase deficiency. Last evaluated: 2022-03-14. Review status: criteria provided, single submitter. Criteria: Invitae Variant Classification Sherloc (09022015). Collection method: clinical testing. Allele origin: germline.
Comment: This sequence change replaces aspartic acid, which is acidic and polar, with asparagine, which is neutral and polar, at codon 574 of the ACADVL protein (p.Asp574Asn). This variant is not present in population databases (gnomAD no frequency). This variant has not been reported in the literature in individuals affected with ACADVL-related conditions. Algorithms developed to predict the effect of missense changes on protein structure and function are either unavailable or do not agree on the potential impact of this missense change (SIFT: "Tolerated"; PolyPhen-2: "Possibly Damaging"; Align-GVGD: "Class C0"). In summary, the available evidence is currently insufficient to determine the role of this variant in disease. Therefore, it has been classified as a Variant of Uncertain Significance.

NM_000018.4(ACADVL):c.1720G>A (p.Asp574Asn)

Gene: ACADVL (acyl-CoA dehydrogenase very long chain; plus strand). Cytogenetic location: 17p13.1.
Variant type: single nucleotide variant.
Coding change: c.1720G>A on transcript NM_000018.4 (MANE Select); coding-DNA position 1720, G replaced by A.
Protein change: p.Asp574Asn; replaces aspartic acid 574 with asparagine.
Molecular consequence: missense variant.
Genome position (GRCh38, 1-based): chr17:7,224,683, G>A. VCF-style: chr17-7224683-G-A. GRCh37 (hg19) VCF-style: chr17-7128002-G-A.
Other names: c.1654G>A, p.Asp552Asn (NM_001033859.3); c.1789G>A, p.Asp597Asn (NM_001270447.2); c.1492G>A, p.Asp498Asn (NM_001270448.2); short protein forms D552N, D597N, D498N, D574N.
Identifiers: ClinVar variation 2198907 (VCV002198907.1), dbSNP rs1038337516, ClinGen allele CA287440886.
Genomic context (GRCh38, chr17:7,224,683, plus strand): 5'-CACCCCACCTACCGGACAGATGAACAGTTTCTGCTGCAGCGGCTGGCAGACGGGGCCATC[G>A]ACCTCTATGCCATGGTGGTGGTTCTCTCGAGGTGAGGAGGCAGGCAGGGAATGCCTGAGC-3'
Protein context (NP_000009.1, residues 564-584): LLQRLADGAI[Asp574Asn]LYAMVVVLSR